The following is an entry in ClinVar:

ClinVar aggregate classification (germline): Uncertain significance (1 of 4 stars; one submission).

Conditions:
Familial thoracic aortic aneurysm and aortic dissection (TAAD). Also called: Thoracic aortic aneurysms and dissections. Identifiers: Orphanet 91387, MedGen C4707243, MONDO:0019625.

Submission:

Ambry Genetics
Classification: Uncertain significance for Familial thoracic aortic aneurysm and aortic dissection. Last evaluated: 2023-01-18. Review status: criteria provided, single submitter. Criteria: Ambry Variant Classification Scheme 2023. Collection method: clinical testing. Allele origin: germline.
Comment: The p.Q10P variant (also known as c.29A>C), located in coding exon 1 of the FLNA gene, results from an A to C substitution at nucleotide position 29. The glutamine at codon 10 is replaced by proline, an amino acid with similar properties. This amino acid position is highly conserved in available vertebrate species. In addition, this alteration is predicted to be tolerated by in silico analysis. Since supporting evidence is limited at this time, the clinical significance of this alteration remains unclear.

NM_001110556.2(FLNA):c.29A>C (p.Gln10Pro)

Gene: FLNA (filamin A; minus strand). Cytogenetic location: Xq28.
Variant type: single nucleotide variant.
Coding change: c.29A>C on transcript NM_001110556.2 (MANE Select); coding-DNA position 29, A replaced by C.
Protein change: p.Gln10Pro; replaces glutamine 10 with proline.
Molecular consequence: missense variant.
Genome position (GRCh38, 1-based): chrX:154,371,217, T>G on the plus strand (A>C on the coding strand, the complement: FLNA is on the minus strand). VCF-style: chrX-154371217-T-G. GRCh37 (hg19) VCF-style: chrX-153599585-T-G.
Other names: c.29A>C, p.Gln10Pro (NM_001456.4); short protein forms Q10P.
Identifiers: ClinVar variation 2449576 (VCV002449576.2), dbSNP rs781988041, ClinGen allele CA415255878.